The following is an entry in ClinVar:

NM_003124.5(SPR):c.193C>T (p.Arg65Trp)

Genes: SPR (sepiapterin reductase; plus strand), LOC129934069 (ATAC-STARR-seq lymphoblastoid silent region 11626; plus strand). Cytogenetic location: 2p13.2.
Variant type: single nucleotide variant.
Coding change: c.193C>T on transcript NM_003124.5 (MANE Select); coding-DNA position 193, C replaced by T.
Protein change: p.Arg65Trp; replaces arginine 65 with tryptophan.
Molecular consequence: missense variant.
Genome position (GRCh38, 1-based): chr2:72,887,625, C>T. VCF-style: chr2-72887625-C-T. GRCh37 (hg19) VCF-style: chr2-73114754-C-T.
Other names: p.Arg65Trp; short protein forms R65W.
Identifiers: ClinVar variation 444505 (VCV000444505.49), dbSNP rs745594726, ClinGen allele CA1708911.

ClinVar aggregate classification (germline): Uncertain significance. Review status: criteria provided, multiple submitters, no conflicts (2 of 4 stars). 4 submissions from 4 submitters: Uncertain significance (4). Last evaluated 2024-11-13.

Conditions:
Dystonic disorder. Also called: Dystonia. Identifiers: MedGen C0013421, MONDO:0003441, HP:0001332.

Allele frequency attached by ClinVar (database versions not stated): gnomAD exomes 0.00003; gnomAD 0.00004; TOPMed 0.00004; ExAC 0.00061.
gnomAD v4.1: 48 of 1,430,662 alleles (0.0034%); highest among the groups gnomAD compares: Non-Finnish European, 0.0043%; no homozygotes.

Submissions (4):

Mayo Clinic Laboratories, Mayo Clinic
Classification: Uncertain significance. Last evaluated: 2024-11-13. Review status: criteria provided, single submitter. Criteria: ACMG Guidelines, 2015. Collection method: clinical testing. Allele origin: germline. Observed: 1 variant allele.
Comment: BP4

Blueprint Genetics
Classification: Uncertain significance. Last evaluated: 2022-07-11. Review status: criteria provided, single submitter. Criteria: ACMG Guidelines, 2015. Collection method: clinical testing. Allele origin: germline.

Labcorp Genetics (formerly Invitae), Labcorp
Classification: Uncertain significance for Dystonic disorder. Last evaluated: 2022-05-25. Review status: criteria provided, single submitter. Criteria: Invitae Variant Classification Sherloc (09022015). Collection method: clinical testing. Allele origin: germline.
Comment: This sequence change replaces arginine, which is basic and polar, with tryptophan, which is neutral and slightly polar, at codon 65 of the SPR protein (p.Arg65Trp). The frequency data for this variant in the population databases is considered unreliable, as metrics indicate poor data quality at this position in the gnomAD database. This variant has not been reported in the literature in individuals affected with SPR-related conditions. ClinVar contains an entry for this variant (Variation ID: 444505). Algorithms developed to predict the effect of missense changes on protein structure and function output the following: SIFT: "Tolerated"; PolyPhen-2: "Benign"; Align-GVGD: "Class C0". The tryptophan amino acid residue is found in multiple mammalian species, which suggests that this missense change does not adversely affect protein function. In summary, the available evidence is currently insufficient to determine the role of this variant in disease. Therefore, it has been classified as a Variant of Uncertain Significance.

CeGaT Center for Human Genetics Tuebingen
Classification: Uncertain significance. Last evaluated: 2017-06-01. Review status: criteria provided, single submitter. Criteria: CeGaT Center For Human Genetics Tuebingen Variant Classification Criteria Version 2. Collection method: clinical testing. Allele origin: germline. Affected: yes. Observed: 1 variant allele.